The following is an entry in ClinVar:

ClinVar aggregate classification (germline): Uncertain significance (1 of 4 stars; one submission).

Conditions:
Hypertrophic cardiomyopathy. Also called: HYPERTROPHIC MYOCARDIOPATHY. Identifiers: Orphanet 217569, MedGen C0007194, MeSH D002312, MONDO:0005045, HP:0001639.

Allele frequency attached by ClinVar (database versions not stated): TOPMed below 0.00001; gnomAD 0.00001; gnomAD exomes 0.00001.
gnomAD v4.1: 15 of 1,600,096 alleles (0.00094%); highest among the groups gnomAD compares: Non-Finnish European, 0.0013%; no homozygotes.

Submission:

Labcorp Genetics (formerly Invitae), Labcorp
Classification: Uncertain significance for Hypertrophic cardiomyopathy. Last evaluated: 2023-09-06. Review status: criteria provided, single submitter. Criteria: Invitae Variant Classification Sherloc (09022015). Collection method: clinical testing. Allele origin: germline.
Comment: In summary, the available evidence is currently insufficient to determine the role of this variant in disease. Therefore, it has been classified as a Variant of Uncertain Significance. Variants that disrupt the consensus splice site are a relatively common cause of aberrant splicing (PMID: 17576681, 9536098). Algorithms developed to predict the effect of sequence changes on RNA splicing suggest that this variant may disrupt the consensus splice site. ClinVar contains an entry for this variant (Variation ID: 1436795). This variant has not been reported in the literature in individuals affected with MYOM1-related conditions. This variant is present in population databases (no rsID available, gnomAD 0.002%). This sequence change affects codon 1588 of the MYOM1 mRNA. It is a 'silent' change, meaning that it does not change the encoded amino acid sequence of the MYOM1 protein. This variant also falls at the last nucleotide of exon 37, which is part of the consensus splice site for this exon.

Literature cited by the submitters: PubMed 17576681; PubMed 9536098.

NM_003803.4(MYOM1):c.4764G>A (p.Lys1588=)

Gene: MYOM1 (myomesin 1; minus strand). Cytogenetic location: 18p11.31.
Variant type: single nucleotide variant.
Coding change: c.4764G>A on transcript NM_003803.4 (MANE Select); coding-DNA position 4764, G replaced by A.
Protein change: p.Lys1588=; no amino-acid change (lysine 1588 retained).
Molecular consequence: synonymous variant.
Genome position (GRCh38, 1-based): chr18:3,071,834, C>T on the plus strand (G>A on the coding strand, the complement: MYOM1 is on the minus strand). VCF-style: chr18-3071834-C-T. GRCh37 (hg19) VCF-style: chr18-3071832-C-T.
Other names: c.4476G>A, p.Lys1492= (NM_019856.2).
Identifiers: ClinVar variation 1436795 (VCV001436795.8), dbSNP rs1314931794, ClinGen allele CA502680011.